The following is an entry in ClinVar:

ClinVar aggregate classification (germline): Uncertain significance (1 of 4 stars; one submission).

Submission:

Labcorp Genetics (formerly Invitae), Labcorp
Classification: Uncertain significance. Last evaluated: 2026-01-18. Review status: criteria provided, single submitter. Criteria: Invitae Variant Classification Sherloc (09022015). Collection method: clinical testing. Allele origin: germline.
Comment: This sequence change replaces tyrosine, which is neutral and polar, with cysteine, which is neutral and slightly polar, at codon 904 of the FLNB protein (p.Tyr904Cys). This variant is not present in population databases (gnomAD no frequency). This variant has not been reported in the literature in individuals affected with FLNB-related conditions. Invitae Evidence Modeling of protein sequence and biophysical properties (such as structural, functional, and spatial information, amino acid conservation, physicochemical variation, residue mobility, and thermodynamic stability) indicates that this missense variant is not expected to disrupt FLNB protein function with a negative predictive value of 95%. In summary, the available evidence is currently insufficient to determine the role of this variant in disease. Therefore, it has been classified as a Variant of Uncertain Significance.

NM_001457.4(FLNB):c.2711A>G (p.Tyr904Cys)

Gene: FLNB (filamin B; plus strand). Cytogenetic location: 3p14.3.
Variant type: single nucleotide variant.
Coding change: c.2711A>G on transcript NM_001457.4 (MANE Select); coding-DNA position 2711, A replaced by G.
Protein change: p.Tyr904Cys; replaces tyrosine 904 with cysteine.
Molecular consequence: missense variant.
Genome position (GRCh38, 1-based): chr3:58,112,284, A>G. VCF-style: chr3-58112284-A-G. GRCh37 (hg19) VCF-style: chr3-58098011-A-G.
Other names: c.2711A>G, p.Tyr904Cys (NM_001164317.2, NM_001164318.2, NM_001164319.2); short protein forms Y904C.
Identifiers: ClinVar variation 4801697 (VCV004801697.1).